The following is an entry in ClinVar:

NM_006440.5(TXNRD2):c.941G>A (p.Trp314Ter)

Gene: TXNRD2 (thioredoxin reductase 2; minus strand). Cytogenetic location: 22q11.21.
Variant type: single nucleotide variant.
Coding change: c.941G>A on transcript NM_006440.5 (MANE Select); coding-DNA position 941, G replaced by A.
Protein change: p.Trp314Ter; replaces tryptophan 314 with a stop codon.
Molecular consequence: nonsense. On other transcripts: non-coding transcript variant (1).
Genome position (GRCh38, 1-based): chr22:19,895,415, C>T on the plus strand (G>A on the coding strand, the complement: TXNRD2 is on the minus strand). VCF-style: chr22-19895415-C-T. GRCh37 (hg19) VCF-style: chr22-19882938-C-T.
Other names: c.941G>A, p.Trp314Ter (NM_001282512.3); c.938G>A, p.Trp313Ter (NM_001352300.2); c.851G>A, p.Trp284Ter (NM_001352301.2); c.653G>A, p.Trp218Ter (NM_001352302.2); c.845G>A, p.Trp282Ter (NM_001352303.2); short protein forms W282*, W284*, W314*, W313*, W218*.
Identifiers: ClinVar variation 2449544 (VCV002449544.2), dbSNP rs2517313887, ClinGen allele CA410686303.
Genomic context (GRCh38, chr22:19,895,415, plus strand): 5'-CATGCACCTCGGGGAGACCAGAGACAGAGCGTGTGGCTCGACGTGCCCTTACCTATGGCC[C>T]ACAGGACGGTGTCAAAGGTGCCCGTGTCCTCCTTGCCGGTGGTGCTGTCCTCCCAGGTGA-3'

ClinVar aggregate classification (germline): Uncertain significance (1 of 4 stars; one submission).

Conditions:
Cardiovascular phenotype. Identifiers: MedGen CN230736.

Submission:

Ambry Genetics
Classification: Uncertain significance for Cardiovascular phenotype. Last evaluated: 2023-02-27. Review status: criteria provided, single submitter. Criteria: Ambry Variant Classification Scheme 2023. Collection method: clinical testing. Allele origin: germline.
Comment: The p.W314* variant (also known as c.941G>A), located in coding exon 11 of the TXNRD2 gene, results from a G to A substitution at nucleotide position 941. This changes the amino acid from a tryptophan to a stop codon within coding exon 11. This alteration is expected to result in protein truncation or nonsense-mediated mRNA decay. However, loss of function of TXNRD2 has not been established as a mechanism of disease. The evidence for this gene-disease relationship is limited; therefore, the clinical significance of this alteration is unclear.